The following is an entry in ClinVar:

ClinVar aggregate classification (germline): Uncertain significance (1 of 4 stars; one submission).

Allele frequency attached by ClinVar (database versions not stated): TOPMed 0.00001.

Submission:

Labcorp Genetics (formerly Invitae), Labcorp
Classification: Uncertain significance. Last evaluated: 2024-09-16. Review status: criteria provided, single submitter. Criteria: Invitae Variant Classification Sherloc (09022015). Collection method: clinical testing. Allele origin: germline.
Comment: This sequence change replaces threonine, which is neutral and polar, with alanine, which is neutral and non-polar, at codon 516 of the CNNM4 protein (p.Thr516Ala). This variant is not present in population databases (gnomAD no frequency). This variant has not been reported in the literature in individuals affected with CNNM4-related conditions. ClinVar contains an entry for this variant (Variation ID: 2091170). An algorithm developed to predict the effect of missense changes on protein structure and function (PolyPhen-2) suggests that this variant is likely to be tolerated. In summary, the available evidence is currently insufficient to determine the role of this variant in disease. Therefore, it has been classified as a Variant of Uncertain Significance.

NM_020184.4(CNNM4):c.1546A>G (p.Thr516Ala)

Gene: CNNM4 (cyclin and CBS domain divalent metal cation transport mediator 4; plus strand). Cytogenetic location: 2q11.2.
Variant type: single nucleotide variant.
Coding change: c.1546A>G on transcript NM_020184.4 (MANE Select); coding-DNA position 1546, A replaced by G.
Protein change: p.Thr516Ala; replaces threonine 516 with alanine.
Molecular consequence: missense variant.
Genome position (GRCh38, 1-based): chr2:96,797,155, A>G. VCF-style: chr2-96797155-A-G. GRCh37 (hg19) VCF-style: chr2-97462892-A-G.
Other names: short protein forms T516A.
Identifiers: ClinVar variation 2091170 (VCV002091170.4), dbSNP rs2079111413, ClinGen allele CA347702753.